The following is an entry in ClinVar:

NM_182961.4(SYNE1):c.13191G>A (p.Lys4397=)

Gene: SYNE1 (spectrin repeat containing nuclear envelope protein 1; minus strand). Cytogenetic location: 6q25.2.
Variant type: single nucleotide variant.
Coding change: c.13191G>A on transcript NM_182961.4 (MANE Select); coding-DNA position 13191, G replaced by A.
Protein change: p.Lys4397=; no amino-acid change (lysine 4397 retained).
Molecular consequence: synonymous variant.
Genome position (GRCh38, 1-based): chr6:152,331,494, C>T on the plus strand (G>A on the coding strand, the complement: SYNE1 is on the minus strand). VCF-style: chr6-152331494-C-T. GRCh37 (hg19) VCF-style: chr6-152652629-C-T.
Other names: c.12978G>A, p.Lys4326= (NM_033071.5).
Identifiers: ClinVar variation 1097498 (VCV001097498.11), dbSNP rs2153974179, ClinGen allele CA452971354.
Genomic context (GRCh38, chr6:152,331,494, plus strand): 5'-GAGACCAAGATCTGCCATGACCCTGTCTGCGTCCTTTATAAGCGATTTCAGGAGCATCTG[C>T]TTGGCCTCCAGTTCACTGCAGATGGCCAGGTGATCCATGAGAAGGTTCTGAGCCATATCT-3'
Protein context (NP_892006.3, residues 4387-4407): HLAICSELEA[Lys4397=]QMLLKSLIKD

ClinVar aggregate classification (germline): Likely benign. Review status: criteria provided, multiple submitters, no conflicts (2 of 4 stars). 2 submissions from 2 submitters: Likely benign (2). Last evaluated 2026-07-01.

Conditions:
Autosomal recessive ataxia, Beauce type. Also called: Spinocerebellar ataxia, autosomal recessive 8; SYNE1 Deficiency; ATAXIA, RECESSIVE, OF BEAUCE; SYNE1-Related Autosomal Recessive Cerebellar Ataxia. Identifiers: Orphanet 88644, MedGen C1853116, MONDO:0012549, OMIM 610743.
Emery-Dreifuss muscular dystrophy 4, autosomal dominant (EDMD4). Also called: EMERY-DREIFUSS MUSCULAR DYSTROPHY 4 WITH VARIABLE FEATURES. Identifiers: Orphanet 261, MedGen C2751807, MONDO:0013071, OMIM 612998.

gnomAD v4.1: 2 of 1,614,088 alleles (0.00012%); highest among the groups gnomAD compares: South Asian, 0.0011%; no homozygotes.

Submissions (2):

CeGaT Center for Human Genetics Tuebingen
Classification: Likely benign. Last evaluated: 2026-07-01. Review status: criteria provided, single submitter. Criteria: CeGaT Center For Human Genetics Tuebingen Variant Classification Criteria Version 2. Collection method: clinical testing. Allele origin: germline. Affected: yes. Observed: 1 variant allele.
Comment: SYNE1: BP4, BP7

Labcorp Genetics (formerly Invitae), Labcorp
Classification: Likely benign for Emery-Dreifuss muscular dystrophy 4, autosomal dominant; Autosomal recessive ataxia, Beauce type. Last evaluated: 2022-11-15. Review status: criteria provided, single submitter. Criteria: Invitae Variant Classification Sherloc (09022015). Collection method: clinical testing. Allele origin: germline.